The following is an entry in ClinVar:

NM_144499.3(GNAT1):c.825G>T (p.Lys275Asn)

Gene: GNAT1 (G protein subunit alpha transducin 1; plus strand). Cytogenetic location: 3p21.31.
Variant type: single nucleotide variant.
Coding change: c.825G>T on transcript NM_144499.3 (MANE Select); coding-DNA position 825, G replaced by T.
Protein change: p.Lys275Asn; replaces lysine 275 with asparagine.
Molecular consequence: missense variant.
Genome position (GRCh38, 1-based): chr3:50,194,617, G>T. VCF-style: chr3-50194617-G-T. GRCh37 (hg19) VCF-style: chr3-50232050-G-T.
Other names: c.825G>T, p.Lys275Asn (NM_000172.4); short protein forms K275N.
Identifiers: ClinVar variation 1396549 (VCV001396549.6), dbSNP rs947123026, ClinGen allele CA74601845.

ClinVar aggregate classification (germline): Uncertain significance (1 of 4 stars; one submission).

Allele frequency attached by ClinVar (database versions not stated): gnomAD 0.00001; TOPMed 0.00001.
gnomAD v4.1: 2 of 1,613,574 alleles (0.00012%); highest among the groups gnomAD compares: African/African-American, 0.0013%; no homozygotes.

Submission:

Labcorp Genetics (formerly Invitae), Labcorp
Classification: Uncertain significance. Last evaluated: 2024-12-02. Review status: criteria provided, single submitter. Criteria: Invitae Variant Classification Sherloc (09022015). Collection method: clinical testing. Allele origin: germline.
Comment: This sequence change replaces lysine, which is basic and polar, with asparagine, which is neutral and polar, at codon 275 of the GNAT1 protein (p.Lys275Asn). This variant is not present in population databases (gnomAD no frequency). This variant has not been reported in the literature in individuals affected with GNAT1-related conditions. ClinVar contains an entry for this variant (Variation ID: 1396549). Invitae Evidence Modeling of protein sequence and biophysical properties (such as structural, functional, and spatial information, amino acid conservation, physicochemical variation, residue mobility, and thermodynamic stability) indicates that this missense variant is not expected to disrupt GNAT1 protein function with a negative predictive value of 80%. In summary, the available evidence is currently insufficient to determine the role of this variant in disease. Therefore, it has been classified as a Variant of Uncertain Significance.